The following is an entry in ClinVar:

NM_001323289.2(CDKL5):c.1684A>G (p.Thr562Ala)

Gene: CDKL5 (cyclin dependent kinase like 5; plus strand). Cytogenetic location: Xp22.13.
Variant type: single nucleotide variant.
Coding change: c.1684A>G on transcript NM_001323289.2 (MANE Select); coding-DNA position 1684, A replaced by G.
Protein change: p.Thr562Ala; replaces threonine 562 with alanine.
Molecular consequence: missense variant.
Genome position (GRCh38, 1-based): chrX:18,604,608, A>G. VCF-style: chrX-18604608-A-G. GRCh37 (hg19) VCF-style: chrX-18622728-A-G.
Other names: NM_001323289.2(CDKL5):c.1684A>G; p.Thr562Ala; c.1684A>G, p.Thr562Ala (NM_001037343.2, NM_003159.3); short protein forms T562A.
Identifiers: ClinVar variation 434666 (VCV000434666.23), dbSNP rs376341076, ClinGen allele CA10360405.

ClinVar aggregate classification (germline): Likely benign. Review status: reviewed by expert panel (3 of 4 stars). 5 submissions from 5 submitters: Likely benign (1). 4 of the submissions do not count toward it. Last evaluated 2025-02-28.

Conditions:
CDKL5 disorder. Identifiers: MedGen CN296942, MONDO:0100039.
Inborn genetic diseases. Identifiers: MedGen C0950123, MeSH D030342.
Developmental and epileptic encephalopathy, 2 (DEE2). Also called: INFANTILE SPASM SYNDROME, X-LINKED 2; CDKL5 deficiency disorder. Identifiers: Orphanet 1934, Orphanet 3451, Orphanet 505652, MedGen C4750718, MONDO:0010396, OMIM 300672.
Angelman syndrome-like. Identifiers: MedGen CN128785.

Allele frequency attached by ClinVar (database versions not stated): gnomAD exomes below 0.00001; TOPMed below 0.00001; ExAC 0.00001; gnomAD 0.00001; ESP Exome Variant Server 0.00009.
gnomAD v4.1: 4 of 1,210,493 alleles (0.00033%); highest among the groups gnomAD compares: Non-Finnish European, 0.00045%; no homozygotes.

Submissions (5):

ClinGen Rett and Angelman-like Disorders Variant Curation Expert Panel
Classification: Likely benign for CDKL5 disorder. Last evaluated: 2025-02-28. Review status: reviewed by expert panel. Criteria: ClinGen RettAS ACMG Specifications CDKL5 V3.0.0. Collection method: curation. Allele origin: germline. Inheritance: X-linked inheritance.
Comment: The highest population minor allele frequency of the c.1684A>G (p.Thr562Ala) variant in CDKL5 in gnomAD v4.1 is 0.000004 in the European (Non-Finnish) population (not sufficient to meet BS1 criteria). The computational predictor REVEL gives a score of 0.133, evidence that does not predict a damaging effect on CDKL5 function (BP4). The p.Thr562Ala variant is observed in at least 2 unaffected individuals (Ambry Genetics: internal database, Labcorp Genetics Inc. (formerly Invitae): internal database) (BS2). In summary, the p.Thr562Ala variant in CDKL5 is classified as Likely Benign for CDKL5-associated disorder based on the ACMG/AMP criteria (BP4, BS2) (CDKL5 Specifications v.3.0; curation approved on 02/28/2025).

Centre for Population Genomics, CPG
Classification: Likely benign for CDKL5 disorder. Last evaluated: 2024-07-12. Review status: criteria provided, single submitter. Criteria: McKnight et al. (Hum Mutat. 2022). Collection method: curation. Allele origin: germline. Inheritance: X-linked inheritance. Not counted in ClinVar's aggregate classification.
Comment: This variant has been collected from RettBASE and curated to current modified ACMG/AMP criteria. Based on the classification scheme defined by the ClinGen Rett/Angelman-like Expert Panel for Rett/AS-like Disorders Specifications to the ACMG/AMP Variant Interpretation Guidelines VCEP 3.0, this variant is classified as likely benign. At least the following criteria are met: The variant is observed in at least 2 individuals with no features of CDKL5 disorder (BS2). ClinVar Variation ID: 434666 There are 4 individuals in gnomAD v4 (1 hemizygote), AF <0.008% Computational prediction analysis tools suggest no impact on gene product (REVEL score <= 0.15) (BP4).

Labcorp Genetics (formerly Invitae), Labcorp
Classification: Likely benign for Developmental and epileptic encephalopathy, 2; Angelman syndrome-like. Last evaluated: 2023-12-09. Review status: criteria provided, single submitter. Criteria: Invitae Variant Classification Sherloc (09022015). Collection method: clinical testing. Allele origin: germline. Not counted in ClinVar's aggregate classification.

Genetic Services Laboratory, University of Chicago
Classification: Uncertain significance. Last evaluated: 2016-08-16. Review status: criteria provided, single submitter. Criteria: ACMG Guidelines, 2015. Collection method: clinical testing. Allele origin: germline. Affected: no. Not counted in ClinVar's aggregate classification.

Ambry Genetics
Classification: Uncertain significance for Inborn genetic diseases. Last evaluated: 2016-05-02. Review status: criteria provided, single submitter. Criteria: Ambry Variant Classification Scheme 2023. Collection method: clinical testing. Allele origin: germline. Not counted in ClinVar's aggregate classification.
Comment: The p.T562A variant (also known as c.1684A>G), located in coding exon 11 of the CDKL5 gene, results from an A to G substitution at nucleotide position 1684. The threonine at codon 562 is replaced by alanine, an amino acid with similar properties. This variant was previously reported in the SNPDatabase as rs376341076. Based on data from the NHLBI Exome Sequencing Project (ESP), the G allele was absent out of 2443 total male alleles studied. This amino acid position is not well conserved in available vertebrate species. In addition, this alteration is predicted to be tolerated by in silico analysis. Since supporting evidence is limited at this time, the clinical significance of this alteration remains unclear.